The following is an entry in ClinVar:

ClinVar aggregate classification (germline): Benign. Review status: criteria provided, multiple submitters, no conflicts (2 of 4 stars). 10 submissions from 10 submitters: Benign (8). 2 of the submissions do not count toward it. Last evaluated 2026-06-05.

Conditions:
Ectopia lentis et pupillae. Also called: ECTOPIA LENTIS WITH ECTOPIA OF PUPIL. Identifiers: Orphanet 1885, MedGen C1644196, MONDO:0009153, OMIM 225200.
Ectopia lentis 2, isolated, autosomal recessive (ECTOL2). Identifiers: Orphanet 1885, MedGen C3541474, MONDO:0009152, OMIM 225100.

Allele frequency attached by ClinVar (database versions not stated): 1000 Genomes Project 0.81450; 1000 Genomes Project 30x 0.81527; TOPMed 0.85747; ESP Exome Variant Server 0.86752; gnomAD 0.87842; ExAC 0.90669.
gnomAD v4.1: 1,503,393 of 1,613,790 alleles (93%); highest among the groups gnomAD compares: Non-Finnish European, 95%; 703,156 homozygotes.

Submissions (10):

Women's Health and Genetics/Laboratory Corporation of America, LabCorp
Classification: Benign. Last evaluated: 2026-06-05. Review status: criteria provided, single submitter. Criteria: LabCorp Variant Classification Summary - May 2015. Collection method: clinical testing. Allele origin: germline.

Labcorp Genetics (formerly Invitae), Labcorp
Classification: Benign. Last evaluated: 2026-02-04. Review status: criteria provided, single submitter. Criteria: Invitae Variant Classification Sherloc (09022015). Collection method: clinical testing. Allele origin: germline.

Blueprint Genetics
Classification: Benign. Last evaluated: 2024-11-26. Review status: criteria provided, single submitter. Criteria: ACMG Guidelines, 2015. Collection method: clinical testing. Allele origin: germline.

Genome-Nilou Lab
Classification: Benign for Ectopia lentis et pupillae. Last evaluated: 2021-07-14. Review status: criteria provided, single submitter. Criteria: ACMG Guidelines, 2015. Collection method: clinical testing. Allele origin: germline. Affected: no.

Illumina Laboratory Services, Illumina
Classification: Benign for Ectopia lentis 2, isolated, autosomal recessive. Last evaluated: 2018-01-13. Review status: criteria provided, single submitter. Criteria: ICSL Variant Classification Criteria 13 December 2019. Collection method: clinical testing. Allele origin: germline.
Comment: This variant was observed in the ICSL laboratory as part of a predisposition screen in an ostensibly healthy population. It had not been previously curated by ICSL or reported in the Human Gene Mutation Database (HGMD: prior to June 1st, 2018), and was therefore a candidate for classification through an automated scoring system. Utilizing variant allele frequency, disease prevalence and penetrance estimates, and inheritance mode, an automated score was calculated to assess if this variant is too frequent to cause the disease. Based on the score and internal cut-off values, a variant classified as benign is not then subjected to further curation. The score for this variant resulted in a classification of benign for this disease.

GeneDx
Classification: Benign. Last evaluated: 2017-05-19. Review status: criteria provided, single submitter. Criteria: GeneDx Variant Classification (06012015). Collection method: clinical testing. Allele origin: germline. Affected: yes.
Comment: This variant is considered likely benign or benign based on one or more of the following criteria: it is a conservative change, it occurs at a poorly conserved position in the protein, it is predicted to be benign by multiple in silico algorithms, and/or has population frequency not consistent with disease.

Breakthrough Genomics
Classification: Benign. Review status: criteria provided, single submitter. Criteria: ACMG Guidelines, 2015. Collection method: not provided. Allele origin: germline. Inheritance: Autosomal recessive inheritance. Affected: yes.

PreventionGenetics, part of Exact Sciences
Classification: Benign. Review status: criteria provided, single submitter. Criteria: ACMG Guidelines, 2015. Collection method: clinical testing. Allele origin: germline.

Diagnostic Laboratory, Department of Genetics, University Medical Center Groningen
Classification: Benign for Ectopia lentis et pupillae. Review status: no assertion criteria provided. Collection method: clinical testing. Allele origin: germline. Affected: yes. Study: VKGL Data-share Consensus. Not counted in ClinVar's aggregate classification.

Genome Diagnostics Laboratory, Amsterdam University Medical Center
Classification: Benign. Review status: no assertion criteria provided. Collection method: clinical testing. Allele origin: germline. Affected: yes. Study: VKGL Data-share Consensus. Not counted in ClinVar's aggregate classification.

NM_019032.6(ADAMTSL4):c.2442T>C (p.Asn814=)

Gene: ADAMTSL4 (ADAMTS like 4; plus strand). Cytogenetic location: 1q21.2.
Variant type: single nucleotide variant.
Coding change: c.2442T>C on transcript NM_019032.6 (MANE Select); coding-DNA position 2442, T replaced by C.
Protein change: p.Asn814=; no amino-acid change (asparagine 814 retained).
Molecular consequence: synonymous variant.
Genome position (GRCh38, 1-based): chr1:150,558,532, T>C. VCF-style: chr1-150558532-T-C. GRCh37 (hg19) VCF-style: chr1-150531008-T-C.
Other names: c.2325T>C, p.Asn775= (NM_001288607.2); c.2511T>C, p.Asn837= (NM_001288608.2); c.2442T>C, p.Asn814= (NM_001378596.1, NM_025008.5).
Identifiers: ClinVar variation 261076 (VCV000261076.20), dbSNP rs10888382, ClinGen allele CA1078680.